The following is an entry in ClinVar:

ClinVar aggregate classification (germline): Pathogenic (1 of 4 stars; one submission).

Conditions:
Familial cancer of breast. Also called: BREAST CANCER, FAMILIAL; Hereditary breast cancer; hereditary breast carcinoma. Identifiers: Orphanet 227535, MedGen C0346153, MONDO:0016419, OMIM 114480. Disease mechanism: loss of function.

Submission:

Department of Clinical Genetics, Copenhagen University Hospital, Rigshospitalet
Classification: Pathogenic for Familial cancer of breast. Last evaluated: 2025-12-10. Review status: criteria provided, single submitter. Criteria: ACMG Guidelines, 2015. Collection method: clinical testing. Allele origin: germline.
Comment: The following ACMG criteria has been used: PM2_SUP; PVS1; PM5_Strong (PTC)

Literature cited by the submitters: PubMed 21318380.

NM_000059.4(BRCA2):c.6607del (p.Val2203fs)

Gene: BRCA2 (BRCA2 DNA repair associated; plus strand). Cytogenetic location: 13q13.1.
Variant type: Deletion.
Coding change: c.6607del on transcript NM_000059.4 (MANE Select); coding-DNA position 6607, one base deleted (G; older notation c.6607delG).
Protein change: p.Val2203fs; shifts the reading frame from valine 2203.
Molecular consequence: frameshift variant. On other transcripts: non-coding transcript variant (1), intron variant (2).
Genome position (GRCh38, 1-based): chr13:32,340,962, G deleted. VCF-style (leftmost placement, unchanged base first): chr13-32340961-TG-T. GRCh37 (hg19) VCF-style: chr13-32915098-TG-T.
Other names: c.6607del, p.Val2203fs (NM_001406719.1, NM_001406720.1, NM_001432077.1); c.1910-3596del (NM_001406721.1); c.425-3596del (NM_001406722.1); short protein forms V2203fs.
Identifiers: ClinVar variation 4871827 (VCV004871827.1).